The following is an entry in ClinVar:

NM_021930.6(RINT1):c.515+4A>C

Gene: RINT1 (RAD50 interactor 1; plus strand). Cytogenetic location: 7q22.3.
Variant type: single nucleotide variant.
Coding change: c.515+4A>C on transcript NM_021930.6 (MANE Select); 4 bases into the intron after coding-DNA position 515, A replaced by C.
Molecular consequence: intron variant.
Genome position (GRCh38, 1-based): chr7:105,542,653, A>C. VCF-style: chr7-105542653-A-C. GRCh37 (hg19) VCF-style: chr7-105183100-A-C.
Other names: c.-505+4A>C (NM_001346600.2); c.-408+4A>C (NM_001346601.2); c.-28+4A>C (NM_001346603.2); c.281+4A>C (NM_001346599.2).
Identifiers: ClinVar variation 1932709 (VCV001932709.5), dbSNP rs2485113282, ClinGen allele CA2580076111.
Genomic context (GRCh38, chr7:105,542,653, plus strand): 5'-AGAGATCGAACGTCATCTTGCTTACCTTAAATGGATTTCACAAATTGAAGAACTAAGGTA[A>C]AATGGGCCTCTTTGTTCTCACAATTACTATTTTCCTTTGAGGCTTCTGTCTTAGAGAGTA-3'

ClinVar aggregate classification (germline): Uncertain significance (1 of 4 stars; one submission).

Submission:

Labcorp Genetics (formerly Invitae), Labcorp
Classification: Uncertain significance. Last evaluated: 2022-02-09. Review status: criteria provided, single submitter. Criteria: Invitae Variant Classification Sherloc (09022015). Collection method: clinical testing. Allele origin: germline.
Comment: In summary, the available evidence is currently insufficient to determine the role of this variant in disease. Therefore, it has been classified as a Variant of Uncertain Significance. This sequence change falls in intron 4 of the RINT1 gene. It does not directly change the encoded amino acid sequence of the RINT1 protein. It affects a nucleotide within the consensus splice site. This variant is not present in population databases (gnomAD no frequency). This variant has not been reported in the literature in individuals affected with RINT1-related conditions. Variants that disrupt the consensus splice site are a relatively common cause of aberrant splicing (PMID: 17576681, 9536098). Algorithms developed to predict the effect of sequence changes on RNA splicing suggest that this variant may disrupt the consensus splice site.

Literature cited by the submitters: PubMed 17576681; PubMed 9536098.